The following is an entry in ClinVar:

ClinVar aggregate classification (germline): Conflicting classifications of pathogenicity. Review status: criteria provided, conflicting classifications (1 of 4 stars). 7 submissions from 7 submitters: Pathogenic (4); Likely pathogenic (2); Uncertain significance (1). Last evaluated 2026-06-12.

Conditions:
Congenital stationary night blindness 1D. Also called: Night blindness, congenital stationary (complete), 1D, autosomal recessive. Identifiers: Orphanet 215, MedGen C3151193, MONDO:0013450, OMIM 613830.
SLC24A1-related disorder. Also called: SLC24A1-related condition.

Allele frequency attached by ClinVar (database versions not stated): TOPMed 0.00010; gnomAD exomes 0.00011 and 0.00006; ExAC 0.00015; 1000 Genomes Project 0.00040; 1000 Genomes Project 30x 0.00047; gnomAD 0.00004 and 0.00009; ESP Exome Variant Server 0.00008.
gnomAD v4.1: 103 of 1,610,448 alleles (0.0064%); highest among the groups gnomAD compares: Middle Eastern, 0.12%; 1 homozygote.

Submissions (7):

PreventionGenetics, part of Exact Sciences
Classification: Pathogenic for SLC24A1-related condition. Last evaluated: 2026-06-12. Review status: criteria provided, single submitter. Criteria: ACMG Guidelines, 2015. Collection method: clinical testing. Allele origin: germline.
Comment: The SLC24A1 c.1963C>T variant is predicted to result in premature protein termination (p.Arg655*). This variant has been reported in the homozygous state in an individual with congenital stationary night blindness (Table S2, Martin-Merida et al. 2019. PubMed ID: 30902645). This variant is present in 0.053% of alleles in individuals of Latino descent in gnomAD. Nonsense variants in SLC24A1 are an established mechanism of disease. This variant is interpreted as pathogenic.

GeneDx
Classification: Uncertain significance. Last evaluated: 2026-01-27. Review status: criteria provided, single submitter. Criteria: GeneDx Variant Classification Process June 2021. Collection method: clinical testing. Allele origin: germline.
Comment: Nonsense variant predicted to result in protein truncation or nonsense mediated decay in a gene for which loss of function is a known mechanism of disease; This variant is associated with the following publications: (PMID: 34426522, 20850105, 26822852, 31964843, 30902645)

Labcorp Genetics (formerly Invitae), Labcorp
Classification: Pathogenic. Last evaluated: 2026-01-05. Review status: criteria provided, single submitter. Criteria: Invitae Variant Classification Sherloc (09022015). Collection method: clinical testing. Allele origin: germline.
Comment: This sequence change creates a premature translational stop signal (p.Arg655*) in the SLC24A1 gene. It is expected to result in an absent or disrupted protein product. Loss-of-function variants in SLC24A1 are known to be pathogenic (PMID: 20850105, 26822852). This variant is present in population databases (rs201452975, gnomAD 0.06%). This premature translational stop signal has been observed in individual(s) with night blindness (PMID: 30902645). ClinVar contains an entry for this variant (Variation ID: 1068778). For these reasons, this variant has been classified as Pathogenic.

Variantyx, Inc.
Classification: Likely pathogenic for Congenital stationary night blindness 1D. Last evaluated: 2025-03-02. Review status: criteria provided, single submitter. Criteria: Variantyx Assertion Criteria 2022. Collection method: clinical testing. Allele origin: germline. Inheritance: Autosomal recessive inheritance. Affected: no.
Comment: This is a nonsense variant in the SLC24A1 gene (OMIM: 603617). Pathogenic variants in this gene have been associated with autosomal recessive complete congenital stationary night blindness 1D. This variant introduces a premature termination codon in exon 4 out of 10 and is expected to result in loss of function, which is a known disease mechanism for SLC24A1 in this disorder (PMID: 20850105, 26822852) (PVS1). This variant has a 0.0470% maximum allele frequency in non-founder control populations (PM2). Based on the current evidence, this variant is classified as likely pathogenic for autosomal recessive complete congenital stationary night blindness 1D.

Blueprint Genetics
Classification: Likely pathogenic for SLC24A1-related disorders. Last evaluated: 2024-10-23. Review status: criteria provided, single submitter. Criteria: ACMG Guidelines, 2015. Collection method: clinical testing. Allele origin: germline. Affected: yes. Observed: 5 variant alleles.

Genomic Medicine Center of Excellence, King Faisal Specialist Hospital and Research Centre
Classification: Pathogenic for Congenital stationary night blindness 1D. Last evaluated: 2024-03-26. Review status: criteria provided, single submitter. Criteria: ACMG Guidelines, 2015. Collection method: clinical testing. Allele origin: germline.

Fulgent Genetics
Classification: Pathogenic for Congenital stationary night blindness 1D. Last evaluated: 2022-02-18. Review status: criteria provided, single submitter. Criteria: ACMG Guidelines, 2015. Collection method: clinical testing. Allele origin: unknown.

Literature cited by the submitters: PubMed 20850105 (cited by Labcorp Genetics (formerly Invitae), Labcorp and Variantyx, Inc.); PubMed 26822852 (cited by Labcorp Genetics (formerly Invitae), Labcorp and Variantyx, Inc.); PubMed 30902645 (cited by Labcorp Genetics (formerly Invitae), Labcorp).

NM_004727.3(SLC24A1):c.1963C>T (p.Arg655Ter)

Gene: SLC24A1 (solute carrier family 24 member 1; plus strand). Cytogenetic location: 15q22.31.
Variant type: single nucleotide variant.
Coding change: c.1963C>T on transcript NM_004727.3 (MANE Select); coding-DNA position 1963, C replaced by T.
Protein change: p.Arg655Ter; replaces arginine 655 with a stop codon.
Molecular consequence: nonsense.
Genome position (GRCh38, 1-based): chr15:65,639,613, C>T. VCF-style: chr15-65639613-C-T. GRCh37 (hg19) VCF-style: chr15-65931951-C-T.
Other names: c.1963C>T, p.Arg655Ter (NM_001301031.1); c.1909C>T, p.Arg637Ter (NM_001301032.1, NM_001301033.2); c.1963C>T (NM_004727.2); short protein forms R637*, R655*.
Identifiers: ClinVar variation 1068778 (VCV001068778.14), dbSNP rs201452975, ClinGen allele CA7620046.
Genomic context (GRCh38, chr15:65,639,613, plus strand): 5'-GGCTTGGACAGGGGCCCACTGTGCGGCTCTCCTCTTGCTCAGCTCCCGTCCTTGCTGACC[C>T]GAGGGAGCAGCTCGACCTCTCTGCACAACAGCACCATCCGCAGCACCATCTACCAGCTCA-3'